The following is an entry in ClinVar:

NM_006494.4(ERF):c.127C>G (p.Gln43Glu)

Gene: ERF (ETS2 repressor factor; minus strand). Cytogenetic location: 19q13.2.
Variant type: single nucleotide variant.
Coding change: c.127C>G on transcript NM_006494.4 (MANE Select); coding-DNA position 127, C replaced by G.
Protein change: p.Gln43Glu; replaces glutamine 43 with glutamic acid.
Molecular consequence: missense variant. On other transcripts: 5 prime UTR variant (3).
Genome position (GRCh38, 1-based): chr19:42,250,461, G>C on the plus strand (C>G on the coding strand, the complement: ERF is on the minus strand). VCF-style: chr19-42250461-G-C. GRCh37 (hg19) VCF-style: chr19-42754613-G-C.
Other names: c.-99C>G (NM_001301035.2, NM_001308402.2, NM_001312656.2); short protein forms Q43E.
Identifiers: ClinVar variation 3776673 (VCV003776673.1).

ClinVar aggregate classification (germline): Uncertain significance (1 of 4 stars; one submission).

Submission:

GeneDx
Classification: Uncertain significance. Last evaluated: 2024-10-02. Review status: criteria provided, single submitter. Criteria: GeneDx Variant Classification Process June 2021. Collection method: clinical testing. Allele origin: germline. Affected: yes.
Comment: Not observed at significant frequency in large population cohorts (gnomAD); In silico analysis indicates that this missense variant does not alter protein structure/function; Has not been previously published as pathogenic or benign to our knowledge